The following is an entry in ClinVar:

NM_182548.4(LHFPL5):c.650-2A>G

Gene: LHFPL5 (LHFPL tetraspan subfamily member 5; plus strand). Cytogenetic location: 6p21.31.
Variant type: single nucleotide variant.
Coding change: c.650-2A>G on transcript NM_182548.4 (MANE Select); the canonical splice acceptor site of the intron before coding-DNA position 650, A replaced by G.
Molecular consequence: splice acceptor variant.
Genome position (GRCh38, 1-based): chr6:35,819,435, A>G. VCF-style: chr6-35819435-A-G. GRCh37 (hg19) VCF-style: chr6-35787212-A-G.
Identifiers: ClinVar variation 3601194 (VCV003601194.1).

ClinVar aggregate classification (germline): Pathogenic (1 of 4 stars; one submission).

Conditions:
Autosomal recessive nonsyndromic hearing loss 67. Identifiers: Orphanet 90636, MedGen C1853223, MONDO:0012460, OMIM 610265.

gnomAD v4.1: 1 of 1,614,056 alleles (0.000062%); highest among the groups gnomAD compares: Non-Finnish European, 0.000085%; no homozygotes.

Submission:

Institute of Rare Diseases, West China Hospital, Sichuan University
Classification: Pathogenic for Autosomal recessive nonsyndromic hearing loss 67. Last evaluated: 2025-01-09. Review status: criteria provided, single submitter. Criteria: ClinGen HL ACMG Specifications v1. Collection method: research. Allele origin: germline. Affected: yes.
Comment: PVS1;PM3_Supporting;PM2_Supporting